The following is an entry in ClinVar:

ClinVar aggregate classification (germline): Benign (1 of 4 stars; one submission).

Conditions:
Childhood apraxia of speech (SPCH1). Also called: DEVELOPMENTAL VERBAL DYSPRAXIA; Speech language disorder; FOXP2-Related Speech and Language Disorder; SPEECH AND LANGUAGE DISORDER WITH OROFACIAL DYSPRAXIA. Identifiers: Orphanet 209908, MedGen C0750927, MONDO:0011184, OMIM 602081.

Allele frequency attached by ClinVar (database versions not stated): 1000 Genomes Project 0.00140; 1000 Genomes Project 30x 0.00172; TOPMed 0.00301; gnomAD exomes 0.00358 and 0.00459; gnomAD 0.00367 and 0.00376; ExAC 0.00487.
gnomAD v4.1: 1,950 of 453,408 alleles (0.43%); highest among the groups gnomAD compares: Non-Finnish European, 0.51%; 14 homozygotes.

Submission:

Illumina Laboratory Services, Illumina
Classification: Benign for Childhood apraxia of speech. Last evaluated: 2018-01-13. Review status: criteria provided, single submitter. Criteria: ICSL Variant Classification Criteria 13 December 2019. Collection method: clinical testing. Allele origin: germline.
Comment: This variant was observed in the ICSL laboratory as part of a predisposition screen in an ostensibly healthy population. It had not been previously curated by ICSL or reported in the Human Gene Mutation Database (HGMD: prior to June 1st, 2018), and was therefore a candidate for classification through an automated scoring system. Utilizing variant allele frequency, disease prevalence and penetrance estimates, and inheritance mode, an automated score was calculated to assess if this variant is too frequent to cause the disease. Based on the score and internal cut-off values, a variant classified as benign is not then subjected to further curation. The score for this variant resulted in a classification of benign for this disease.

NM_014491.4(FOXP2):c.*3624T>G

Gene: FOXP2 (forkhead box P2; plus strand). Cytogenetic location: 7q31.1.
Variant type: single nucleotide variant.
Coding change: c.*3624T>G on transcript NM_014491.4 (MANE Select); 3624 bases downstream of the stop codon, T replaced by G.
Molecular consequence: 3 prime UTR variant. On other transcripts: non-coding transcript variant (2).
Genome position (GRCh38, 1-based): chr7:114,693,550, T>G. VCF-style: chr7-114693550-T-G. GRCh37 (hg19) VCF-style: chr7-114333605-T-G.
Other names: c.*3624T>G (NM_001172766.3, NM_148898.4, NM_148900.4).
Identifiers: ClinVar variation 358671 (VCV000358671.5), dbSNP rs540406830, ClinGen allele CA4446517.